The following is an entry in ClinVar:

NM_001082486.2(ACD):c.341C>T (p.Ala114Val)

Gene: ACD (ACD shelterin complex subunit and telomerase recruitment factor; minus strand). Cytogenetic location: 16q22.1.
Variant type: single nucleotide variant.
Coding change: c.341C>T on transcript NM_001082486.2 (MANE Select); coding-DNA position 341, C replaced by T.
Protein change: p.Ala114Val; replaces alanine 114 with valine.
Molecular consequence: missense variant.
Genome position (GRCh38, 1-based): chr16:67,659,609, G>A on the plus strand (C>T on the coding strand, the complement: ACD is on the minus strand). VCF-style: chr16-67659609-G-A. GRCh37 (hg19) VCF-style: chr16-67693512-G-A.
Other names: c.341C>T, p.Ala114Val (NM_001410884.1); c.332C>T, p.Ala111Val (NM_022914.3); short protein forms A111V, A114V.
Identifiers: ClinVar variation 3232676 (VCV003232676.1), dbSNP rs2052958592, ClinGen allele CA396355582.

ClinVar aggregate classification (germline): Uncertain significance (1 of 4 stars; one submission).

Conditions:
Inborn genetic diseases. Identifiers: MedGen C0950123, MeSH D030342.

Allele frequency attached by ClinVar (database versions not stated): gnomAD exomes below 0.00001; TOPMed below 0.00001.

Submission:

Ambry Genetics
Classification: Uncertain significance for Inborn genetic diseases. Last evaluated: 2024-01-14. Review status: criteria provided, single submitter. Criteria: Ambry Variant Classification Scheme 2023. Collection method: clinical testing. Allele origin: germline.
Comment: The p.A200V variant (also known as c.599C>T), located in coding exon 4 of the ACD gene, results from a C to T substitution at nucleotide position 599. The alanine at codon 200 is replaced by valine, an amino acid with similar properties. This amino acid position is conserved. In addition, this alteration is predicted to be tolerated by in silico analysis. Since supporting evidence is limited at this time, the clinical significance of this alteration remains unclear.